The following is an entry in ClinVar:

NM_014915.3(ANKRD26):c.4427A>G (p.Lys1476Arg)

Gene: ANKRD26 (ankyrin repeat domain containing 26; minus strand). Cytogenetic location: 10p12.1.
Variant type: single nucleotide variant.
Coding change: c.4427A>G on transcript NM_014915.3 (MANE Select); coding-DNA position 4427, A replaced by G.
Protein change: p.Lys1476Arg; replaces lysine 1476 with arginine.
Molecular consequence: missense variant.
Genome position (GRCh38, 1-based): chr10:27,017,581, T>C on the plus strand (A>G on the coding strand, the complement: ANKRD26 is on the minus strand). VCF-style: chr10-27017581-T-C. GRCh37 (hg19) VCF-style: chr10-27306510-T-C.
Other names: c.4424A>G, p.Lys1475Arg (NM_001256053.2); short protein forms K1476R, K1475R.
Identifiers: ClinVar variation 3124377 (VCV003124377.2), dbSNP rs2538571551, ClinGen allele CA376357416.

ClinVar aggregate classification (germline): Uncertain significance (1 of 4 stars; one submission).

Conditions:
Inborn genetic diseases. Identifiers: MedGen C0950123, MeSH D030342.

Submission:

Ambry Genetics
Classification: Uncertain significance for Inborn genetic diseases. Last evaluated: 2025-02-08. Review status: criteria provided, single submitter. Criteria: Ambry Variant Classification Scheme 2023. Collection method: clinical testing. Allele origin: germline.
Comment: The p.K1476R variant (also known as c.4427A>G), located in coding exon 30 of the ANKRD26 gene, results from an A to G substitution at nucleotide position 4427. The lysine at codon 1476 is replaced by arginine, an amino acid with highly similar properties. This amino acid position is conserved. In addition, this alteration is predicted to be tolerated by in silico analysis. Based on the available evidence, the clinical significance of this variant remains unclear.